The following is an entry in ClinVar:

NM_021964.3(ZNF148):c.1974C>T (p.Ser658=)

Genes: ZNF148 (zinc finger protein 148; minus strand), LOC126806798 (P300/CBP strongly-dependent group 1 enhancer GRCh37_chr3:124950809-124952008; plus strand). Cytogenetic location: 3q21.2.
Variant type: single nucleotide variant.
Coding change: c.1974C>T on transcript NM_021964.3 (MANE Select); coding-DNA position 1974, C replaced by T.
Protein change: p.Ser658=; no amino-acid change (serine 658 retained).
Molecular consequence: synonymous variant.
Genome position (GRCh38, 1-based): chr3:125,232,752, G>A on the plus strand (C>T on the coding strand, the complement: ZNF148 is on the minus strand). VCF-style: chr3-125232752-G-A. GRCh37 (hg19) VCF-style: chr3-124951596-G-A.
Other names: c.1974C>T, p.Ser658= (NM_001348424.1, NM_001348425.2, NM_001348426.2 and 7 more transcripts); c.1848C>T, p.Ser616= (NM_001348434.2).
Identifiers: ClinVar variation 713344 (VCV000713344.8), dbSNP rs145231474, ClinGen allele CA2585188.
Genomic context (GRCh38, chr3:125,232,752, plus strand): 5'-TAGTCCAAAGTGGGACTTATCTGGAGTTGTTCTTAGTGGAGAATTCATTCCTGATCGAAA[G>A]CTATTGATGGGCATGGTGGCATAGACCTGCTTGTCTATGGAAGAGAATGCTGGCTGATTT-3'
Protein context (NP_068799.2, residues 648-668): KQVYATMPIN[Ser658=]FRSGMNSPLR

ClinVar aggregate classification (germline): Likely benign. Review status: criteria provided, multiple submitters, no conflicts (2 of 4 stars). 4 submissions from 4 submitters: Likely benign (4). Last evaluated 2026-04-01.

Allele frequency attached by ClinVar (database versions not stated): gnomAD 0.00046 and 0.00053; 1000 Genomes Project 30x 0.00047; gnomAD exomes 0.00057 and 0.00092; 1000 Genomes Project 0.00060; TOPMed 0.00065; ExAC 0.00087; ESP Exome Variant Server 0.00092.
gnomAD v4.1: 966 of 1,613,880 alleles (0.06%); highest among the groups gnomAD compares: Middle Eastern, 1.4%; 7 homozygotes.

Submissions (4):

CeGaT Center for Human Genetics Tuebingen
Classification: Likely benign. Last evaluated: 2026-04-01. Review status: criteria provided, single submitter. Criteria: CeGaT Center For Human Genetics Tuebingen Variant Classification Criteria Version 2. Collection method: clinical testing. Allele origin: germline. Affected: yes. Observed: 1 variant allele.
Comment: ZNF148: BP4, BS1

Blueprint Genetics
Classification: Likely benign. Last evaluated: 2024-11-18. Review status: criteria provided, single submitter. Criteria: ACMG Guidelines, 2015. Collection method: clinical testing. Allele origin: germline.

Labcorp Genetics (formerly Invitae), Labcorp
Classification: Likely benign. Last evaluated: 2019-12-31. Review status: criteria provided, single submitter. Criteria: Invitae Variant Classification Sherloc (09022015). Collection method: clinical testing. Allele origin: germline.

Breakthrough Genomics
Classification: Likely benign. Review status: criteria provided, single submitter. Criteria: ACMG Guidelines, 2015. Collection method: not provided. Allele origin: germline. Inheritance: Autosomal dominant inheritance. Affected: yes.